The following is an entry in ClinVar:

ClinVar aggregate classification (germline): Uncertain significance. Review status: criteria provided, multiple submitters, no conflicts (2 of 4 stars). 2 submissions from 2 submitters: Uncertain significance (2). Last evaluated 2023-07-25.

Conditions:
Hereditary diffuse gastric adenocarcinoma (HDGC). Also called: DIFFUSE GASTRIC AND LOBULAR BREAST CANCER SYNDROME. Identifiers: Orphanet 26106, MedGen C1708349, MONDO:0007648, OMIM 137215.
Hereditary cancer-predisposing syndrome. Also called: Tumor predisposition; Neoplastic Syndromes, Hereditary; Hereditary Cancer Syndrome; Hereditary neoplastic syndrome. Identifiers: Orphanet 140162, MedGen C0027672, MeSH D009386, MONDO:0015356.

Submissions (2):

Ambry Genetics
Classification: Uncertain significance for Hereditary cancer-predisposing syndrome. Last evaluated: 2023-07-25. Review status: criteria provided, single submitter. Criteria: Ambry Variant Classification Scheme 2023. Collection method: clinical testing. Allele origin: germline.
Comment: The c.409_410delGCinsAG variant, located in coding exon 4 of the CDH1 gene, results from an in-frame deletion of GC and insertion of AG at nucleotide positions 409 to 410. This results in the substitution of the alanine residue for an arginine residue at codon 137, an amino acid with dissimilar properties. This amino acid position is poorly conserved in available vertebrate species. In addition, this alteration is predicted to be neutral by in silico analysis (Choi Y et al. PLoS ONE. 2012; 7(10):e46688). Since supporting evidence is limited at this time, the clinical significance of this alteration remains unclear.

Labcorp Genetics (formerly Invitae), Labcorp
Classification: Uncertain significance for Hereditary diffuse gastric adenocarcinoma. Last evaluated: 2023-05-30. Review status: criteria provided, single submitter. Criteria: Invitae Variant Classification Sherloc (09022015). Collection method: clinical testing. Allele origin: germline.
Comment: This sequence change replaces alanine, which is neutral and non-polar, with arginine, which is basic and polar, at codon 137 of the CDH1 protein (p.Ala137Arg). In summary, the available evidence is currently insufficient to determine the role of this variant in disease. Therefore, it has been classified as a Variant of Uncertain Significance. An algorithm developed to predict the effect of missense changes on protein structure and function (PolyPhen-2) suggests that this variant is likely to be tolerated. This variant has not been reported in the literature in individuals affected with CDH1-related conditions. Information on the frequency of this variant in the gnomAD database is not available, as this variant may be reported differently in the database.

NM_004360.5(CDH1):c.409_410delinsAG (p.Ala137Arg)

Gene: CDH1 (cadherin 1; plus strand). Cytogenetic location: 16q22.1.
Variant type: Indel.
Coding change: c.409_410delinsAG on transcript NM_004360.5 (MANE Select); coding-DNA positions 409 to 410, GC replaced by AG.
Protein change: p.Ala137Arg; replaces alanine 137 with arginine.
Molecular consequence: missense variant. On other transcripts: 5 prime UTR variant (2).
Genome position (GRCh38, 1-based): chr16:68,808,445-68,808,446, GC replaced by AG. VCF-style: chr16-68808445-GC-AG. GRCh37 (hg19) VCF-style: chr16-68842348-GC-AG.
Other names: c.409_410delinsAG, p.Ala137Arg (NM_001317184.2); c.-1207_-1206delinsAG (NM_001317185.2); c.-1411_-1410delinsAG (NM_001317186.2); short protein forms A137R.
Identifiers: ClinVar variation 2587431 (VCV002587431.5), dbSNP rs2543914394, ClinGen allele CA2582342561.